The following is an entry in ClinVar:

NM_017654.4(SAMD9):c.4130C>A (p.Thr1377Asn)

Gene: SAMD9 (sterile alpha motif domain containing 9; minus strand). Cytogenetic location: 7q21.2.
Variant type: single nucleotide variant.
Coding change: c.4130C>A on transcript NM_017654.4 (MANE Select); coding-DNA position 4130, C replaced by A.
Protein change: p.Thr1377Asn; replaces threonine 1377 with asparagine.
Molecular consequence: missense variant.
Genome position (GRCh38, 1-based): chr7:93,101,968, G>T on the plus strand (C>A on the coding strand, the complement: SAMD9 is on the minus strand). VCF-style: chr7-93101968-G-T. GRCh37 (hg19) VCF-style: chr7-92731281-G-T.
Other names: c.4130C>A, p.Thr1377Asn (NM_001193307.2); short protein forms T1377N.
Identifiers: ClinVar variation 3437064 (VCV003437064.3).

ClinVar aggregate classification (germline): Uncertain significance. Review status: criteria provided, multiple submitters, no conflicts (2 of 4 stars). 2 submissions from 2 submitters: Uncertain significance (2). Last evaluated 2024-11-30.

Conditions:
Inborn genetic diseases. Identifiers: MedGen C0950123, MeSH D030342.

Submissions (2):

Ambry Genetics
Classification: Uncertain significance for Inborn genetic diseases. Last evaluated: 2024-11-30. Review status: criteria provided, single submitter. Criteria: Ambry Variant Classification Scheme 2023. Collection method: clinical testing. Allele origin: germline.
Comment: The p.T1377N variant (also known as c.4130C>A), located in coding exon 1 of the SAMD9 gene, results from a C to A substitution at nucleotide position 4130. The threonine at codon 1377 is replaced by asparagine, an amino acid with similar properties. This amino acid position is conserved. In addition, this alteration is predicted to be tolerated by in silico analysis. Based on the available evidence, the clinical significance of this variant remains unclear.

Labcorp Genetics (formerly Invitae), Labcorp
Classification: Uncertain significance. Last evaluated: 2024-10-12. Review status: criteria provided, single submitter. Criteria: Invitae Variant Classification Sherloc (09022015). Collection method: clinical testing. Allele origin: germline.
Comment: This sequence change replaces threonine, which is neutral and polar, with asparagine, which is neutral and polar, at codon 1377 of the SAMD9 protein (p.Thr1377Asn). This variant is not present in population databases (gnomAD no frequency). This variant has not been reported in the literature in individuals affected with SAMD9-related conditions. Invitae Evidence Modeling of protein sequence and biophysical properties (such as structural, functional, and spatial information, amino acid conservation, physicochemical variation, residue mobility, and thermodynamic stability) indicates that this missense variant is not expected to disrupt SAMD9 protein function with a negative predictive value of 95%. In summary, the available evidence is currently insufficient to determine the role of this variant in disease. Therefore, it has been classified as a Variant of Uncertain Significance.